The following is an entry in ClinVar:

ClinVar aggregate classification (germline): Uncertain significance. Review status: criteria provided, multiple submitters, no conflicts (2 of 4 stars). 2 submissions from 2 submitters: Uncertain significance (2). Last evaluated 2025-03-19.

Conditions:
Congenital myotonia, autosomal recessive form. Also called: BECKER DISEASE; Becker Generalized Myotonia; myotonia congenita, autosomal recessive. Identifiers: Orphanet 614, MedGen C0751360, MONDO:0009715, OMIM 255700.
Congenital myotonia, autosomal dominant form (THD). Also called: THOMSEN DISEASE; Myotonia congenita autosomal dominant. Identifiers: Orphanet 614, MedGen C2936781, MONDO:0008055, OMIM 160800.

Allele frequency attached by ClinVar (database versions not stated): TOPMed 0.00001; ExAC 0.00002.
gnomAD v4.1: 4 of 1,613,528 alleles (0.00025%); highest among the groups gnomAD compares: African/African-American, 0.0053%; no homozygotes.

Submissions (2):

GeneDx
Classification: Uncertain significance. Last evaluated: 2025-03-19. Review status: criteria provided, single submitter. Criteria: GeneDx Variant Classification Process June 2021. Collection method: clinical testing. Allele origin: germline. Affected: yes.
Comment: Not observed at significant frequency in large population cohorts (gnomAD); In silico analysis indicates that this missense variant does not alter protein structure/function; Has not been previously published as pathogenic or benign to our knowledge

Labcorp Genetics (formerly Invitae), Labcorp
Classification: Uncertain significance for Congenital myotonia, autosomal recessive form; Congenital myotonia, autosomal dominant form. Last evaluated: 2022-09-27. Review status: criteria provided, single submitter. Criteria: Invitae Variant Classification Sherloc (09022015). Collection method: clinical testing. Allele origin: germline.
Comment: This sequence change replaces isoleucine, which is neutral and non-polar, with valine, which is neutral and non-polar, at codon 119 of the CLCN1 protein (p.Ile119Val). This variant is present in population databases (rs757196935, gnomAD 0.01%). This variant has not been reported in the literature in individuals affected with CLCN1-related conditions. Advanced modeling of protein sequence and biophysical properties (such as structural, functional, and spatial information, amino acid conservation, physicochemical variation, residue mobility, and thermodynamic stability) has been performed at Invitae for this missense variant, however the output from this modeling did not meet the statistical confidence thresholds required to predict the impact of this variant on CLCN1 protein function. In summary, the available evidence is currently insufficient to determine the role of this variant in disease. Therefore, it has been classified as a Variant of Uncertain Significance.

NM_000083.3(CLCN1):c.355A>G (p.Ile119Val)

Gene: CLCN1 (chloride voltage-gated channel 1; plus strand). Cytogenetic location: 7q34.
Variant type: single nucleotide variant.
Coding change: c.355A>G on transcript NM_000083.3 (MANE Select); coding-DNA position 355, A replaced by G.
Protein change: p.Ile119Val; replaces isoleucine 119 with valine.
Molecular consequence: missense variant. On other transcripts: non-coding transcript variant (1).
Genome position (GRCh38, 1-based): chr7:143,320,717, A>G. VCF-style: chr7-143320717-A-G. GRCh37 (hg19) VCF-style: chr7-143017810-A-G.
Other names: c.355A>G (NM_000083.2); short protein forms I119V.
Identifiers: ClinVar variation 2157678 (VCV002157678.2), dbSNP rs757196935, ClinGen allele CA4536920.